The following is an entry in ClinVar:

ClinVar aggregate classification (germline): Likely pathogenic. Review status: criteria provided, multiple submitters, no conflicts (2 of 4 stars). 2 submissions from 2 submitters: Likely pathogenic (2). Last evaluated 2024-11-02.

Conditions:
Citrullinemia. Identifiers: Orphanet 187, MedGen C0175683, MONDO:0015991.
Citrullinemia type I (CTNL1). Also called: argininosuccinate synthetase deficiency; ASS DEFICIENCY. Identifiers: Orphanet 247525, MedGen C4721769, MONDO:0008988, OMIM 215700.

Submissions (2):

Natera, Inc.
Classification: Likely pathogenic for Citrullinemia type I. Last evaluated: 2024-11-02. Review status: criteria provided, single submitter. Criteria: Natera Variant Classification Schema (03/2026). Collection method: clinical testing. Allele origin: germline.
Comment: The c.379C>G variant in ASS1 is a missense variant predicted to cause substitution of arginine to glycine at amino acid 127. This variant is rare in the general population with a frequency below the threshold expected for the associated phenotype(s). This variant has been observed in one or more individuals affected with the associated recessive disease, as either homozygous or compound heterozygous with a second variant (PMID: 23099195, 23246278). This variant has been observed to segregate in affected family members (PMID: 23246278). A different variant at the same position has been determined to be Pathogenic or Likely Pathogenic. Computational prediction algorithms indicate this variant is likely to affect gene or protein function. Given the available evidence, this variant is classified as Likely Pathogenic.

Labcorp Genetics (formerly Invitae), Labcorp
Classification: Likely pathogenic for Citrullinemia. Last evaluated: 2018-12-19. Review status: criteria provided, single submitter. Criteria: Invitae Variant Classification Sherloc (09022015). Collection method: clinical testing. Allele origin: germline.
Comment: This variant disrupts the Arg127 amino acid residue in ASS1. Other variant(s) that disrupt this residue have been observed in individuals with ASS1-related conditions (PMID: 23099195, 19006241, 14680976), suggesting that it is a clinically significant residue. As a result, variants that disrupt this residue are likely to be causative of disease. Algorithms developed to predict the effect of missense changes on protein structure and function are either unavailable or do not agree on the potential impact of this missense change (SIFT: "Deleterious"; PolyPhen-2: "Probably Damaging"; Align-GVGD: "Class C0"). This variant has been observed in combination with another ASS1 variant in an individual affected with citrullinemia type I (PMID: 23246278). This variant is not present in population databases (ExAC no frequency). This sequence change replaces arginine with glycine at codon 127 of the ASS1 protein (p.Arg127Gly). The arginine residue is highly conserved and there is a moderate physicochemical difference between arginine and glycine. In summary, the currently available evidence indicates that the variant is pathogenic, but additional data are needed to prove that conclusively. Therefore, this variant has been classified as Likely Pathogenic.

Literature cited by the submitters: PubMed 23099195 (cited by Natera, Inc. and Labcorp Genetics (formerly Invitae), Labcorp); PubMed 23246278 (cited by Natera, Inc. and Labcorp Genetics (formerly Invitae), Labcorp); PubMed 19006241 (cited by Labcorp Genetics (formerly Invitae), Labcorp); PubMed 14680976 (cited by Labcorp Genetics (formerly Invitae), Labcorp).

NM_054012.4(ASS1):c.379C>G (p.Arg127Gly)

Gene: ASS1 (argininosuccinate synthase 1; plus strand). Cytogenetic location: 9q34.11.
Variant type: single nucleotide variant.
Coding change: c.379C>G on transcript NM_054012.4 (MANE Select); coding-DNA position 379, C replaced by G.
Protein change: p.Arg127Gly; replaces arginine 127 with glycine.
Molecular consequence: missense variant.
Genome position (GRCh38, 1-based): chr9:130,464,126, C>G. VCF-style: chr9-130464126-C-G. GRCh37 (hg19) VCF-style: chr9-133339513-C-G.
Other names: c.379C>G, p.Arg127Gly (NM_000050.4); short protein forms R127G.
Identifiers: ClinVar variation 649412 (VCV000649412.11), dbSNP rs771794639, ClinGen allele CA375225781.
Genomic context (GRCh38, chr9:130,464,126, plus strand): 5'-ACCCCCATCCTGTGGCTCCTGACAGCCCTCTGTTCTGCATTGCAGGGGAACGATCAGGTC[C>G]GGTTTGAGCTCAGCTGCTACTCACTGGCCCCCCAGATAAAGGTAGGATGTGGCTCCTCCC-3'
Protein context (NP_446464.1, residues 117-137): GATGKGNDQV[Arg127Gly]FELSCYSLAP